The following is an entry in ClinVar:

NM_015909.4(NBAS):c.1091A>G (p.Tyr364Cys)

Gene: NBAS (NBAS subunit of NRZ tethering complex; minus strand). Cytogenetic location: 2p24.3.
Variant type: single nucleotide variant.
Coding change: c.1091A>G on transcript NM_015909.4 (MANE Select); coding-DNA position 1091, A replaced by G.
Protein change: p.Tyr364Cys; replaces tyrosine 364 with cysteine.
Molecular consequence: missense variant. On other transcripts: non-coding transcript variant (1).
Genome position (GRCh38, 1-based): chr2:15,478,282, T>C on the plus strand (A>G on the coding strand, the complement: NBAS is on the minus strand). VCF-style: chr2-15478282-T-C. GRCh37 (hg19) VCF-style: chr2-15618406-T-C.
Other names: short protein forms Y364C.
Identifiers: ClinVar variation 1388032 (VCV001388032.29), dbSNP rs534890707, ClinGen allele CA1536789.

ClinVar aggregate classification (germline): Conflicting classifications of pathogenicity. Review status: criteria provided, conflicting classifications (1 of 4 stars). 2 submissions from 2 submitters: Uncertain significance (1); Likely benign (1). Last evaluated 2026-06-01.

Allele frequency attached by ClinVar (database versions not stated): TOPMed 0.00007.
gnomAD v4.1: 241 of 1,610,252 alleles (0.015%); highest among the groups gnomAD compares: South Asian, 0.019%; no homozygotes.

Submissions (2):

CeGaT Center for Human Genetics Tuebingen
Classification: Uncertain significance. Last evaluated: 2026-06-01. Review status: criteria provided, single submitter. Criteria: CeGaT Center For Human Genetics Tuebingen Variant Classification Criteria Version 2. Collection method: clinical testing. Allele origin: germline. Affected: yes. Observed: 1 variant allele.
Comment: NBAS: PM2:Supporting, BP4

Labcorp Genetics (formerly Invitae), Labcorp
Classification: Likely benign. Last evaluated: 2025-07-21. Review status: criteria provided, single submitter. Criteria: Invitae Variant Classification Sherloc (09022015). Collection method: clinical testing. Allele origin: germline.